The following is an entry in ClinVar:

NM_001457.4(FLNB):c.5338A>G (p.Lys1780Glu)

Gene: FLNB (filamin B; plus strand). Cytogenetic location: 3p14.3.
Variant type: single nucleotide variant.
Coding change: c.5338A>G on transcript NM_001457.4 (MANE Select); coding-DNA position 5338, A replaced by G.
Protein change: p.Lys1780Glu; replaces lysine 1780 with glutamic acid.
Molecular consequence: missense variant.
Genome position (GRCh38, 1-based): chr3:58,143,526, A>G. VCF-style: chr3-58143526-A-G. GRCh37 (hg19) VCF-style: chr3-58129253-A-G.
Other names: c.5266A>G, p.Lys1756Glu (NM_001164319.2); c.5431A>G, p.Lys1811Glu (NM_001164317.2); c.5305A>G, p.Lys1769Glu (NM_001164318.2); short protein forms K1780E, K1756E, K1769E, K1811E.
Identifiers: ClinVar variation 3635739 (VCV003635739.2).

ClinVar aggregate classification (germline): Uncertain significance (1 of 4 stars; one submission).

Submission:

Labcorp Genetics (formerly Invitae), Labcorp
Classification: Uncertain significance. Last evaluated: 2024-02-17. Review status: criteria provided, single submitter. Criteria: Invitae Variant Classification Sherloc (09022015). Collection method: clinical testing. Allele origin: germline.
Comment: This sequence change replaces lysine, which is basic and polar, with glutamic acid, which is acidic and polar, at codon 1780 of the FLNB protein (p.Lys1780Glu). This variant is not present in population databases (gnomAD no frequency). This variant has not been reported in the literature in individuals affected with FLNB-related conditions. Advanced modeling of protein sequence and biophysical properties (such as structural, functional, and spatial information, amino acid conservation, physicochemical variation, residue mobility, and thermodynamic stability) performed at Invitae indicates that this missense variant is not expected to disrupt FLNB protein function with a negative predictive value of 95%. In summary, the available evidence is currently insufficient to determine the role of this variant in disease. Therefore, it has been classified as a Variant of Uncertain Significance.